The following is an entry in ClinVar:

NM_000287.4(PEX6):c.411G>A (p.Arg137=)

Gene: PEX6 (peroxisomal biogenesis factor 6; minus strand). Cytogenetic location: 6p21.1.
Variant type: single nucleotide variant.
Coding change: c.411G>A on transcript NM_000287.4 (MANE Select); coding-DNA position 411, G replaced by A.
Protein change: p.Arg137=; no amino-acid change (arginine 137 retained).
Molecular consequence: synonymous variant. On other transcripts: non-coding transcript variant (1).
Genome position (GRCh38, 1-based): chr6:42,978,740, C>T on the plus strand (G>A on the coding strand, the complement: PEX6 is on the minus strand). VCF-style: chr6-42978740-C-T. GRCh37 (hg19) VCF-style: chr6-42946478-C-T.
Other names: c.411G>A, p.Arg137= (NM_001316313.2).
Identifiers: ClinVar variation 724665 (VCV000724665.14), dbSNP rs769196737, ClinGen allele CA3811622.

ClinVar aggregate classification (germline): Likely benign. Review status: criteria provided, single submitter (1 of 4 stars). 3 submissions from 3 submitters: Likely benign (1). 2 of the submissions do not count toward it. Last evaluated 2025-06-03.

Conditions:
PEX6-related disorder. Also called: PEX6-related condition; PEX6-related disorders.
Zellweger spectrum disorders (ZS). Also called: Zellweger syndrome; Zellweger Spectrum Disorder; Zellweger Spectrum; Zellweger Spectrum Disorder (ZSD). Identifiers: Orphanet 912, MedGen C0043459, MONDO:0019609.
Peroxisome biogenesis disorder. Identifiers: Orphanet 79189, MedGen C1832200, MONDO:0019234. Disease mechanism: loss of function.

Allele frequency attached by ClinVar (database versions not stated): TOPMed 0.00001; gnomAD exomes 0.00002; gnomAD 0.00003 and 0.00004; ExAC 0.00008.

Submissions (3):

Labcorp Genetics (formerly Invitae), Labcorp
Classification: Likely benign for Peroxisome biogenesis disorder. Last evaluated: 2025-06-03. Review status: criteria provided, single submitter. Criteria: Invitae Variant Classification Sherloc (09022015). Collection method: clinical testing. Allele origin: germline.

PreventionGenetics, part of Exact Sciences
Classification: Likely benign for PEX6-related condition. Last evaluated: 2024-01-09. Review status: no assertion criteria provided. Collection method: clinical testing. Allele origin: germline. Not counted in ClinVar's aggregate classification.
Comment: This variant is classified as likely benign based on ACMG/AMP sequence variant interpretation guidelines (Richards et al. 2015 PMID: 25741868, with internal and published modifications).

Natera, Inc.
Classification: Uncertain significance for Zellweger syndrome. Last evaluated: 2020-03-10. Review status: no assertion criteria provided. Collection method: clinical testing. Allele origin: germline. Not counted in ClinVar's aggregate classification.